The following is an entry in ClinVar:

NM_000465.4(BARD1):c.159-15A>C

Gene: BARD1 (BRCA1 associated RING domain 1; minus strand). Cytogenetic location: 2q35.
Variant type: single nucleotide variant.
Coding change: c.159-15A>C on transcript NM_000465.4 (MANE Select); 15 bases into the intron before coding-DNA position 159, A replaced by C.
Molecular consequence: intron variant.
Genome position (GRCh38, 1-based): chr2:214,797,132, T>G on the plus strand (A>C on the coding strand, the complement: BARD1 is on the minus strand). VCF-style: chr2-214797132-T-G. GRCh37 (hg19) VCF-style: chr2-215661856-T-G.
Other names: c.159-15A>C (LRG_297t1, NM_001282545.2, NM_001282549.2); c.158+12280A>C (NM_001282548.2); c.159-4687A>C (NM_001282543.2).
Identifiers: ClinVar variation 512591 (VCV000512591.2), dbSNP rs1553625790, ClinGen allele CA658796169.
Genomic context (GRCh38, chr2:214,797,132, plus strand): 5'-GTGCTCACATCCTCCTAAACACACAGGCTCTCTCAGAATGTTAGTACTGTTTGAAGAAAT[T>G]AAAACAATCAAGATTTGAGTCATTGTTAGATAAACATCTCACACCCAATATTTCATCCAA-3'

ClinVar aggregate classification (germline): Likely benign. Review status: criteria provided, multiple submitters, no conflicts (2 of 4 stars). 2 submissions from 2 submitters: Likely benign (2). Last evaluated 2025-09-14.

Conditions:
Familial cancer of breast. Also called: BREAST CANCER, FAMILIAL; hereditary breast carcinoma; Hereditary breast cancer. Identifiers: Orphanet 227535, MedGen C0346153, MONDO:0016419, OMIM 114480. Disease mechanism: loss of function.

Submissions (2):

Labcorp Genetics (formerly Invitae), Labcorp
Classification: Likely benign for Familial cancer of breast. Last evaluated: 2025-09-14. Review status: criteria provided, single submitter. Criteria: Invitae Variant Classification Sherloc (09022015). Collection method: clinical testing. Allele origin: germline.

GeneDx
Classification: Likely benign. Last evaluated: 2017-10-06. Review status: criteria provided, single submitter. Criteria: GeneDx Variant Classification (06012015). Collection method: clinical testing. Allele origin: germline. Affected: yes.
Comment: This variant is considered likely benign or benign based on one or more of the following criteria: it is a conservative change, it occurs at a poorly conserved position in the protein, it is predicted to be benign by multiple in silico algorithms, and/or has population frequency not consistent with disease.